The following is an entry in ClinVar:

NM_030632.3(ASXL3):c.2992G>A (p.Glu998Lys)

Gene: ASXL3 (ASXL transcriptional regulator 3; plus strand). Cytogenetic location: 18q12.1.
Variant type: single nucleotide variant.
Coding change: c.2992G>A on transcript NM_030632.3 (MANE Select); coding-DNA position 2992, G replaced by A.
Protein change: p.Glu998Lys; replaces glutamic acid 998 with lysine.
Molecular consequence: missense variant.
Genome position (GRCh38, 1-based): chr18:33,740,396, G>A. VCF-style: chr18-33740396-G-A. GRCh37 (hg19) VCF-style: chr18-31320360-G-A.
Other names: short protein forms E998K.
Identifiers: ClinVar variation 1184387 (VCV001184387.1), dbSNP rs2145417570, ClinGen allele CA402181997.

ClinVar aggregate classification (germline): Uncertain significance (1 of 4 stars; one submission).

Conditions:
Bainbridge-Ropers syndrome. Also called: Severe feeding difficulties-failure to thrive-microcephaly due to ASXL3 deficiency syndrome. Identifiers: Orphanet 352577, MedGen C4750837, MONDO:0014205, OMIM 615485.

Submission:

New York Genome Center
Classification: Uncertain significance for Bainbridge-Ropers syndrome. Last evaluated: 2020-06-26. Review status: criteria provided, single submitter. Criteria: NYGC Assertion Criteria 2020. Collection method: clinical testing. Allele origin: inherited. Observed: 1 heterozygote. Study: CSER-NYCKidSeq.
Comment: The inherited heterozygous p.Glu998Lys missense variant identified in the ASXL3 gene has not been reported in affected individuals in the literature. The variant is absent from the gnomAD(v3) database indicating it is an extremely rare allele in the general population. The variant affects an evolutionarily conserved residue and is predicted deleterious by multiple in silico prediction tools. Functional studies to evaluate the potential pathogenicity of this variant have not been reported. Based on the available evidence, the inherited heterozygous p.Glu998Lys missense variant identified in the ASXL3 gene is assessed as a variant of uncertain significance.